The following is an entry in ClinVar:

NM_001105206.3(LAMA4):c.3687A>C (p.Glu1229Asp)

Gene: LAMA4 (laminin subunit alpha 4; minus strand). Cytogenetic location: 6q21.
Variant type: single nucleotide variant.
Coding change: c.3687A>C on transcript NM_001105206.3 (MANE Select); coding-DNA position 3687, A replaced by C.
Protein change: p.Glu1229Asp; replaces glutamic acid 1229 with aspartic acid.
Molecular consequence: missense variant.
Genome position (GRCh38, 1-based): chr6:112,133,358, T>G on the plus strand (A>C on the coding strand, the complement: LAMA4 is on the minus strand). VCF-style: chr6-112133358-T-G. GRCh37 (hg19) VCF-style: chr6-112454560-T-G.
Other names: c.3666A>C, p.Glu1222Asp (NM_001105207.3, NM_002290.5); short protein forms E1222D, E1229D.
Identifiers: ClinVar variation 2740063 (VCV002740063.4), dbSNP rs1267922005, ClinGen allele CA365375366.

ClinVar aggregate classification (germline): Uncertain significance. Review status: criteria provided, multiple submitters, no conflicts (2 of 4 stars). 2 submissions from 2 submitters: Uncertain significance (2). Last evaluated 2025-05-03.

Conditions:
Cardiovascular phenotype. Identifiers: MedGen CN230736.
Dilated cardiomyopathy 1JJ (CMD1JJ). Identifiers: Orphanet 154, MedGen C3808935, MONDO:0014095, OMIM 615235.

Allele frequency attached by ClinVar (database versions not stated): gnomAD exomes below 0.00001; gnomAD 0.00001; TOPMed 0.00001.
gnomAD v4.1: 2 of 1,613,634 alleles (0.00012%); highest among the groups gnomAD compares: Non-Finnish European, 0.00017%; no homozygotes.

Submissions (2):

Ambry Genetics
Classification: Uncertain significance for Cardiovascular phenotype. Last evaluated: 2025-05-03. Review status: criteria provided, single submitter. Criteria: Ambry Variant Classification Scheme 2023. Collection method: clinical testing. Allele origin: germline.
Comment: The p.E1222D variant (also known as c.3666A>C), located in coding exon 26 of the LAMA4 gene, results from an A to C substitution at nucleotide position 3666. The glutamic acid at codon 1222 is replaced by aspartic acid, an amino acid with highly similar properties. This amino acid position is conserved. In addition, the in silico prediction for this alteration is inconclusive. Based on the available evidence, the clinical significance of this variant remains unclear.

Labcorp Genetics (formerly Invitae), Labcorp
Classification: Uncertain significance for Dilated cardiomyopathy 1JJ. Last evaluated: 2022-11-25. Review status: criteria provided, single submitter. Criteria: Invitae Variant Classification Sherloc (09022015). Collection method: clinical testing. Allele origin: germline.
Comment: This sequence change replaces glutamic acid, which is acidic and polar, with aspartic acid, which is acidic and polar, at codon 1222 of the LAMA4 protein (p.Glu1222Asp). In summary, the available evidence is currently insufficient to determine the role of this variant in disease. Therefore, it has been classified as a Variant of Uncertain Significance. Algorithms developed to predict the effect of missense changes on protein structure and function (SIFT, PolyPhen-2, Align-GVGD) all suggest that this variant is likely to be disruptive. This variant has not been reported in the literature in individuals affected with LAMA4-related conditions. This variant is not present in population databases (gnomAD no frequency).